The following is an entry in ClinVar:

NM_004177.5(STX3):c.541-2A>G

Gene: STX3 (syntaxin 3; plus strand). Cytogenetic location: 11q12.1.
Variant type: single nucleotide variant.
Coding change: c.541-2A>G on transcript NM_004177.5 (MANE Select); the canonical splice acceptor site of the intron before coding-DNA position 541, A replaced by G.
Molecular consequence: splice acceptor variant.
Genome position (GRCh38, 1-based): chr11:59,793,378, A>G. VCF-style: chr11-59793378-A-G. GRCh37 (hg19) VCF-style: chr11-59560851-A-G.
Other names: c.541-2A>G (NM_001440524.1, NM_001440526.1, NM_001440529.1 and 6 more transcripts); c.520-2A>G (NM_001440530.1); c.535-2A>G (NM_001440528.1).
Identifiers: ClinVar variation 4718357 (VCV004718357.1).

ClinVar aggregate classification (germline): Likely pathogenic (1 of 4 stars; one submission).

gnomAD v4.1: 2 of 1,613,542 alleles (0.00012%); highest among the groups gnomAD compares: South Asian, 0.0011%; no homozygotes.

Submission:

Labcorp Genetics (formerly Invitae), Labcorp
Classification: Likely pathogenic. Last evaluated: 2025-05-03. Review status: criteria provided, single submitter. Criteria: Invitae Variant Classification Sherloc (09022015). Collection method: clinical testing. Allele origin: germline.
Comment: This sequence change affects an acceptor splice site in intron 7 of the STX3 gene. It is expected to disrupt RNA splicing. Variants that disrupt the donor or acceptor splice site typically lead to a loss of protein function (PMID: 16199547), and loss-of-function variants in STX3 are known to be pathogenic (PMID: 24726755). This variant is present in population databases (no rsID available, gnomAD 0.004%). This variant has not been reported in the literature in individuals affected with STX3-related conditions. Algorithms developed to predict the effect of sequence changes on RNA splicing suggest that this variant may disrupt the consensus splice site. In summary, the currently available evidence indicates that the variant is pathogenic, but additional data are needed to prove that conclusively. Therefore, this variant has been classified as Likely Pathogenic.

Literature cited by the submitters: PubMed 16199547; PubMed 24726755.